The following is an entry in ClinVar:

ClinVar aggregate classification (germline): Pathogenic (1 of 4 stars; one submission).

Conditions:
EPILEPSY, CHILDHOOD ABSENCE, SUSCEPTIBILITY TO, 2 (ECA2). Identifiers: Orphanet 64280, MedGen C1843244, OMIM 607681.
Febrile seizures, familial, 8 (FEB8). Also called: CONVULSIONS, FAMILIAL FEBRILE, 8. Identifiers: Orphanet 36387, MedGen C1969810, MONDO:0011891, OMIM 607681.

Submission:

Labcorp Genetics (formerly Invitae), Labcorp
Classification: Pathogenic for Febrile seizures, familial, 8; EPILEPSY, CHILDHOOD ABSENCE, SUSCEPTIBILITY TO, 2. Last evaluated: 2023-09-20. Review status: criteria provided, single submitter. Criteria: Invitae Variant Classification Sherloc (09022015). Collection method: clinical testing. Allele origin: germline.
Comment: For these reasons, this variant has been classified as Pathogenic. This variant disrupts a region of the GABRG2 protein in which other variant(s) (p.Trp429*) have been determined to be pathogenic (PMID: 18566737). This suggests that this is a clinically significant region of the protein, and that variants that disrupt it are likely to be disease-causing. ClinVar contains an entry for this variant (Variation ID: 1073528). This variant has not been reported in the literature in individuals affected with GABRG2-related conditions. This sequence change results in a frameshift in the GABRG2 gene (p.Phe418Serfs*77). While this is not anticipated to result in nonsense mediated decay, it is expected to disrupt the last 50 amino acid(s) of the GABRG2 protein and extend the protein by 26 additional amino acid residues. This variant is present in population databases (no rsID available, gnomAD 0.007%).

Literature cited by the submitters: PubMed 18566737.

NM_198904.4(GABRG2):c.1277del (p.Phe426fs)

Gene: GABRG2 (gamma-aminobutyric acid type A receptor subunit gamma2; plus strand). Cytogenetic location: 5q34.
Variant type: Deletion.
Coding change: c.1277del on transcript NM_198904.4 (MANE Select); coding-DNA position 1277, one base deleted (T; older notation c.1277delT).
Protein change: p.Phe426fs; shifts the reading frame from phenylalanine 426.
Molecular consequence: frameshift variant. On other transcripts: 3 prime UTR variant (1).
Genome position (GRCh38, 1-based): chr5:162,153,217, T deleted; the last of 6 consecutive T bases (chr5:162,153,212-162,153,217); deleting any one gives the same sequence. VCF-style (leftmost placement, unchanged base first): chr5-162153211-GT-G. GRCh37 (hg19) VCF-style: chr5-161580217-GT-G.
Other names: c.1253del, p.Phe418fs (NM_000816.3); c.1268del, p.Phe423fs (NM_001375339.1); c.*111del (NM_001375340.1); c.1274del, p.Phe425fs (NM_001375341.1); c.1250del, p.Phe417fs (NM_001375342.1); c.1373del, p.Phe458fs (NM_001375343.1); c.1316del, p.Phe439fs (NM_001375344.1); c.1187del, p.Phe396fs (NM_001375345.1); and 6 more; short protein forms F278fs, F286fs, F323fs, F396fs, F397fs, F404fs, F417fs, F418fs.
Identifiers: ClinVar variation 1073528 (VCV001073528.5), dbSNP rs1285618109, ClinGen allele CA564438696.